The following is an entry in ClinVar:

NM_022336.4(EDAR):c.1017C>T (p.Val339=)

Genes: EDAR (ectodysplasin A receptor; minus strand), RANBP2 (RAN binding protein 2; plus strand). Cytogenetic location: 2q13.
Variant type: single nucleotide variant.
Coding change: c.1017C>T on transcript NM_022336.4 (MANE Select); coding-DNA position 1017, C replaced by T.
Protein change: p.Val339=; no amino-acid change (valine 339 retained).
Molecular consequence: synonymous variant.
Genome position (GRCh38, 1-based): chr2:108,906,315, G>A on the plus strand (C>T on the coding strand, the complement: EDAR is on the minus strand). VCF-style: chr2-108906315-G-A. GRCh37 (hg19) VCF-style: chr2-109522771-G-A.
Identifiers: ClinVar variation 706918 (VCV000706918.13), dbSNP rs201434694, ClinGen allele CA1824849.
Genomic context (GRCh38, chr2:108,906,315, plus strand): 5'-CTTCATGTCGGTGGGGTGGGCACCACCTCTCCCAGGCTTTTTTTTCAGCTTACCTTCCAC[G>A]ACTCCACACACGTTGGCATACACATCGAGGATCTTTTTCCTCCGGCTTTGAATCTGTGAA-3'
Protein context (NP_071731.1, residues 329-349): ILDVYANVCG[Val339=]VEGLSPTELP

ClinVar aggregate classification (germline): Likely benign. Review status: criteria provided, multiple submitters, no conflicts (2 of 4 stars). 2 submissions from 2 submitters: Likely benign (2). Last evaluated 2026-01-06.

Conditions:
Autosomal recessive hypohidrotic ectodermal dysplasia syndrome. Also called: Autosomal recessive hypohidrotic ectodermal dysplasia. Identifiers: Orphanet 248, MedGen C0406702, MONDO:0016619.
Ectodermal dysplasia 10A, hypohidrotic/hair/nail type, autosomal dominant (ECTD10A). Also called: Ectodermal Dysplasia 3, Anhidrotic. Identifiers: Orphanet 1810, Orphanet 238468, MedGen C3888065, MONDO:0007509, OMIM 129490.
Hypohidrotic ectodermal dysplasia (HED). Identifiers: Orphanet 238468, MedGen C5848103, MONDO:0016535, HP:0007607.

Allele frequency attached by ClinVar (database versions not stated): 1000 Genomes Project 30x 0.00047; 1000 Genomes Project 0.00060; TOPMed 0.00013.
gnomAD v4.1: 239 of 1,614,036 alleles (0.015%); highest among the groups gnomAD compares: East Asian, 0.16%; 1 homozygote.

Submissions (2):

Labcorp Genetics (formerly Invitae), Labcorp
Classification: Likely benign for Ectodermal dysplasia 10A, hypohidrotic/hair/nail type, autosomal dominant; Autosomal recessive hypohidrotic ectodermal dysplasia syndrome. Last evaluated: 2026-01-06. Review status: criteria provided, single submitter. Criteria: Invitae Variant Classification Sherloc (09022015). Collection method: clinical testing. Allele origin: germline.

Illumina Laboratory Services, Illumina
Classification: Likely benign for Hypohidrotic ectodermal dysplasia. Last evaluated: 2018-01-13. Review status: criteria provided, single submitter. Criteria: ICSL Variant Classification Criteria 13 December 2019. Collection method: clinical testing. Allele origin: germline.
Comment: This variant was observed in the ICSL laboratory as part of a predisposition screen in an ostensibly healthy population. It had not been previously curated by ICSL or reported in the Human Gene Mutation Database (HGMD: prior to June 1st, 2018), and was therefore a candidate for classification through an automated scoring system. Utilizing variant allele frequency, disease prevalence and penetrance estimates, and inheritance mode, an automated score was calculated to assess if this variant is too frequent to cause the disease. Based on the score and internal cut-off values, a variant classified as likely benign is not then subjected to further curation. The score for this variant resulted in a classification of likely benign for this disease.